The following is an entry in ClinVar:

NM_000179.3(MSH6):c.3801+1del

Gene: MSH6 (mutS homolog 6; plus strand). Cytogenetic location: 2p16.3.
Variant type: Deletion.
Coding change: c.3801+1del on transcript NM_000179.3 (MANE Select); the canonical splice donor site of the intron after coding-DNA position 3801, one base deleted (G; older notation c.3801+1delG).
Molecular consequence: splice donor variant.
Genome position (GRCh38, 1-based): chr2:47,806,359, G deleted; the last of 2 consecutive G bases (chr2:47,806,358-47,806,359); deleting either gives the same sequence. VCF-style (leftmost placement, unchanged base first): chr2-47806357-TG-T. GRCh37 (hg19) VCF-style: chr2-48033496-TG-T.
Other names: c.3801+1del (NM_001406809.1, NM_001406796.1, NM_001406808.1 and 1 more transcripts); c.2895+1del (NM_001406811.1, NM_001406814.1, NM_001281493.2 and 6 more transcripts); c.3504+1del (NM_001406805.1, NM_001406797.1, NM_001406801.1 and 10 more transcripts); c.3897+1del (NM_001406795.1, NM_001406802.1); c.3807+1del (NM_001406813.1); c.3276+1del (NM_001406807.1, NM_001406799.1, NM_001406806.1); c.3627+1del (NM_001406798.1); c.2937+1del (NM_001406803.1); and 8 more.
Identifiers: ClinVar variation 455288 (VCV000455288.13), dbSNP rs1553333185, ClinGen allele CA658655741.

ClinVar aggregate classification (germline): Likely pathogenic. Review status: criteria provided, multiple submitters, no conflicts (2 of 4 stars). 3 submissions from 3 submitters: Likely pathogenic (3). Last evaluated 2026-02-02.

Conditions:
Hereditary nonpolyposis colorectal neoplasms. Identifiers: MedGen C0009405, MeSH D003123.
Hereditary cancer-predisposing syndrome. Also called: Neoplastic Syndromes, Hereditary; Tumor predisposition; Hereditary neoplastic syndrome; Hereditary Cancer Syndrome. Identifiers: Orphanet 140162, MedGen C0027672, MeSH D009386, MONDO:0015356.
Lynch syndrome 5 (LYNCH5). Also called: Colorectal cancer, hereditary nonpolyposis, type 5; Hereditary non-polyposis colorectal cancer, type 5. Identifiers: Orphanet 144, MedGen C1833477, MONDO:0013710, OMIM 614350. Disease mechanism: loss of function.

Submissions (3):

Ambry Genetics
Classification: Likely pathogenic for Hereditary cancer-predisposing syndrome. Last evaluated: 2026-02-02. Review status: criteria provided, single submitter. Criteria: Ambry Variant Classification Scheme 2023. Collection method: clinical testing. Allele origin: germline.
Comment: The c.3801+1delG intronic variant, located in intron 8 of the MSH6 gene, results from a deletion of one nucleotide within intron 8 of the MSH6 gene. This variant is considered to be rare based on population cohorts in the Genome Aggregation Database (gnomAD). This nucleotide position is highly conserved in available vertebrate species. In silico splice site analysis predicts that this alteration will weaken the native splice donor site and will result in the creation or strengthening of a novel splice donor site. Variants that disrupt the canonical splice site are expected to cause aberrant splicing, resulting in an abnormal protein or a transcript that is subject to nonsense-mediated mRNA decay. As such, this variant is classified as likely pathogenic.

Myriad Genetics, Inc.
Classification: Likely pathogenic for Lynch syndrome 5. Last evaluated: 2023-08-25. Review status: criteria provided, single submitter. Criteria: Myriad Autosomal Dominant, Autosomal Recessive and X-Linked Classification Criteria (2023). Collection method: clinical testing. Allele origin: unknown.
Comment: This variant is considered likely pathogenic. This variant occurs within a consensus splice junction and is predicted to result in abnormal mRNA splicing of either an out-of-frame exon or an in-frame exon necessary for protein stability and/or normal function.

Labcorp Genetics (formerly Invitae), Labcorp
Classification: Likely pathogenic for Hereditary nonpolyposis colorectal neoplasms. Last evaluated: 2017-06-28. Review status: criteria provided, single submitter. Criteria: Invitae Variant Classification Sherloc (09022015). Collection method: clinical testing. Allele origin: germline.
Comment: This sequence change affects a donor splice site in intron 8 of the MSH6 gene. It is expected to disrupt RNA splicing and likely results in an absent or disrupted protein product. In summary, the currently available evidence indicates that the variant is pathogenic, but additional data are needed to prove that conclusively. Therefore, this variant has been classified as Likely Pathogenic. Donor and acceptor splice site variants typically lead to a loss of protein function (PMID: 16199547), and loss-of-function variants in MSH6 are known to be pathogenic (PMID: 24362816, 18269114). This variant has been reported in an individual affected with ovarian cancer (PMID: 21388660). This variant is not present in population databases (ExAC no frequency).

Literature cited by the submitters: PubMed 16199547 (cited by Labcorp Genetics (formerly Invitae), Labcorp); PubMed 24362816 (cited by Labcorp Genetics (formerly Invitae), Labcorp); PubMed 18269114 (cited by Labcorp Genetics (formerly Invitae), Labcorp); PubMed 21388660 (cited by Labcorp Genetics (formerly Invitae), Labcorp).